The following is an entry in ClinVar:

GRCh37/hg19 1q21.1(chr1:145112506-145291030)x3

Gene: NOTCH2NLA (notch 2 N-terminal like A; minus strand). Cytogenetic location: 1q21.1.
Variant type: copy number gain.
Change: copy number 3 (three copies instead of two) of chr1:145,112,506-145,291,030 (178.5 kb, GRCh37 coordinates, 1-based), cytogenetic band 1q21.1.
Identifiers: ClinVar variation 394769 (VCV000394769.3).

ClinVar aggregate classification (germline): Benign/Likely benign (0 of 4 stars; one submission).

Submission:

ISCA Site 6
Classification: Benign/Likely benign. Review status: no assertion criteria provided. Collection method: clinical testing. Allele origin: unknown. Affected: yes. Observed: 2 variant alleles.
Comment: Likely benign (1), Benign (1)

Copy number variation identified through the course of routine clinical cytogenomic testing in postnatal populations, with clinical assertions as classified by the original submitter. For data from the original published study, Kaminsky, et al. 2011 (PubMed 21844811), please see nstd101.